The following is an entry in ClinVar:

ClinVar aggregate classification (germline): Uncertain significance (1 of 4 stars; one submission).

Conditions:
RASopathy. Also called: rasopathies; Noonan spectrum disorder. Identifiers: Orphanet 536391, MedGen C5555857, MONDO:0021060.

Submission:

GeneDx
Classification: Uncertain significance. Last evaluated: 2015-04-07. Review status: criteria provided, single submitter. Criteria: GeneDx Variant Classification (06012015). Collection method: clinical testing. Allele origin: germline. Affected: yes.
Comment: The I171T variant has not been published as a pathogenic variant, nor has it been reported as a benign polymorphism to our knowledge. The I171T variant was not observed in approximately 6,500 individuals of European and African American ancestry in the NHLBI Exome Sequencing Project, indicating it is not a common benign variant in these populations. The I171T variant is a non-conservative amino acid substitution, which is likely to impact secondary protein structure as these residues differ in polarity, charge, size and/or other properties. This substitution occurs at a position that is class conserved across species. However, in silico analysis is inconsistent in its predictions as to whether or not the variant is damaging to the protein structure/function. Furthermore, this substitution occurs in an alternative transcript in which no variants have been reported in the Human Gene Mutation Database (Stenson et al., 2014), indicating this region of the protein may be tolerant of change.Therefore, based on the currently available information, it is unclear whether this variant is a pathogenic variant or a rare benign variant.

NM_004985.5(KRAS):c.451-5588T>C

Gene: KRAS (KRAS proto-oncogene, GTPase; minus strand). Cytogenetic location: 12p12.1.
Variant type: single nucleotide variant.
Coding change: c.451-5588T>C on transcript NM_004985.5 (MANE Select); 5588 bases into the intron before coding-DNA position 451, T replaced by C.
Molecular consequence: intron variant. On other transcripts: missense variant (2).
Genome position (GRCh38, 1-based): chr12:25,215,499, A>G on the plus strand (T>C on the coding strand, the complement: KRAS is on the minus strand). VCF-style: chr12-25215499-A-G. GRCh37 (hg19) VCF-style: chr12-25368433-A-G.
Other names: c.451-5588T>C (LRG_344t1, NM_001369787.1); c.512T>C, p.Ile171Thr (LRG_344t2, NM_001369786.1, NM_033360.4); short protein forms I171T.
Identifiers: ClinVar variation 372611 (VCV000372611.3), dbSNP rs1057517885, ClinGen allele CA16042893.